The following is an entry in ClinVar:

ClinVar aggregate classification (germline): Uncertain significance. Review status: criteria provided, multiple submitters, no conflicts (2 of 4 stars). 3 submissions from 3 submitters: Uncertain significance (3). Last evaluated 2025-02-19.

Conditions:
Inborn genetic diseases. Identifiers: MedGen C0950123, MeSH D030342.

gnomAD v4.1: 4 of 1,030,736 alleles (0.00039%); highest among the groups gnomAD compares: Admixed American, 0.0072%; no homozygotes.

Submissions (3):

Women's Health and Genetics/Laboratory Corporation of America, LabCorp
Classification: Uncertain significance. Last evaluated: 2025-02-19. Review status: criteria provided, single submitter. Criteria: LabCorp Variant Classification Summary - May 2015. Collection method: clinical testing. Allele origin: germline.
Comment: Variant summary: POLA1 c.1271A>T (p.Lys424Ile) results in a non-conservative amino acid change in the encoded protein sequence. Four of five in-silico tools predict a damaging effect of the variant on protein function. The variant allele was found at a frequency of 1.2e-05 in 166743 control chromosomes. The available data on variant occurrences in the general population are insufficient to allow any conclusion about variant significance. To our knowledge, no occurrence of c.1271A>T in individuals affected with X-linked reticulate pigmentary disorder and no experimental evidence demonstrating its impact on protein function have been reported. No submitters have cited clinical-significance assessments for this variant to ClinVar. Based on the evidence outlined above, the variant was classified as uncertain significance.

Ambry Genetics
Classification: Uncertain significance for Inborn genetic diseases. Last evaluated: 2025-02-06. Review status: criteria provided, single submitter. Criteria: Ambry Variant Classification Scheme 2023. Collection method: clinical testing. Allele origin: germline.

Labcorp Genetics (formerly Invitae), Labcorp
Classification: Uncertain significance. Last evaluated: 2024-12-12. Review status: criteria provided, single submitter. Criteria: Invitae Variant Classification Sherloc (09022015). Collection method: clinical testing. Allele origin: germline.
Comment: This sequence change replaces lysine, which is basic and polar, with isoleucine, which is neutral and non-polar, at codon 424 of the POLA1 protein (p.Lys424Ile). This variant is present in population databases (rs750549799, gnomAD 0.009%), including at least one homozygous and/or hemizygous individual. This variant has not been reported in the literature in individuals affected with POLA1-related conditions. Invitae Evidence Modeling of protein sequence and biophysical properties (such as structural, functional, and spatial information, amino acid conservation, physicochemical variation, residue mobility, and thermodynamic stability) indicates that this missense variant is expected to disrupt POLA1 protein function with a positive predictive value of 80%. In summary, the available evidence is currently insufficient to determine the role of this variant in disease. Therefore, it has been classified as a Variant of Uncertain Significance.

NM_001330360.2(POLA1):c.1289A>T (p.Lys430Ile)

Gene: POLA1 (DNA polymerase alpha 1, catalytic subunit; plus strand). Cytogenetic location: Xp22.11.
Variant type: single nucleotide variant.
Coding change: c.1289A>T on transcript NM_001330360.2 (MANE Select); coding-DNA position 1289, A replaced by T.
Protein change: p.Lys430Ile; replaces lysine 430 with isoleucine.
Molecular consequence: missense variant. On other transcripts: non-coding transcript variant (2).
Genome position (GRCh38, 1-based): chrX:24,724,423, A>T. VCF-style: chrX-24724423-A-T. GRCh37 (hg19) VCF-style: chrX-24742540-A-T.
Other names: c.1289A>T, p.Lys430Ile (NM_001378303.1); c.1271A>T, p.Lys424Ile (NM_016937.4); c.1271A>T (NM_016937.3); short protein forms K424I, K430I.
Identifiers: ClinVar variation 3708368 (VCV003708368.4).